The following is an entry in ClinVar:

NM_017547.4(FOXRED1):c.162dup (p.Asp55fs)

Gene: FOXRED1 (FAD dependent oxidoreductase domain containing 1; plus strand). Cytogenetic location: 11q24.2.
Variant type: Duplication.
Coding change: c.162dup on transcript NM_017547.4 (MANE Select); coding-DNA position 162, one base duplicated (A; older notation c.162dupA).
Protein change: p.Asp55fs; shifts the reading frame from aspartic acid 55.
Molecular consequence: frameshift variant. On other transcripts: 5 prime UTR variant (5), non-coding transcript variant (2), intron variant (3).
Genome position (GRCh38, 1-based): chr11:126,271,513, A duplicated; the last of 2 consecutive A bases (chr11:126,271,512-126,271,513); duplicating either gives the same sequence. VCF-style (leftmost placement, unchanged base first): chr11-126271511-C-CA. GRCh37 (hg19) VCF-style: chr11-126141406-C-CA.
Other names: c.162dup, p.Asp55fs (NM_001425160.1, NM_001425161.1, NM_001425163.1 and 4 more transcripts); c.-369dup (NM_001425169.1); c.-349dup (NM_001425170.1); c.-396dup (NM_001425171.1); c.-377dup (NM_001425174.1, NM_001425175.1); c.-204-1456dup (NM_001425168.1); c.-251-1456dup (NM_001425172.1); c.-232-1456dup (NM_001425173.1); short protein forms D55fs.
Identifiers: ClinVar variation 3665877 (VCV003665877.3).
Genomic context (GRCh38, chr11:126,271,511, plus strand): 5'-GTGTCTGAGATTAAGAAGAAGATCAAGTCGATCCTGCCTGGAAGGTCCTGTGATCTACTG[C>CA]AAGACACCAGCCACCTGCCTCCCGAGCACTCGGATGTGGTGATCGTGGGAGGTGGGGTGC-3'

ClinVar aggregate classification (germline): Pathogenic (1 of 4 stars; one submission).

Submission:

Labcorp Genetics (formerly Invitae), Labcorp
Classification: Pathogenic. Last evaluated: 2024-02-26. Review status: criteria provided, single submitter. Criteria: Invitae Variant Classification Sherloc (09022015). Collection method: clinical testing. Allele origin: germline.
Comment: This sequence change creates a premature translational stop signal (p.Asp55Argfs*69) in the FOXRED1 gene. It is expected to result in an absent or disrupted protein product. Loss-of-function variants in FOXRED1 are known to be pathogenic (PMID: 20818383, 20858599). This variant is present in population databases (rs775430669, gnomAD 0.003%). This variant has not been reported in the literature in individuals affected with FOXRED1-related conditions. For these reasons, this variant has been classified as Pathogenic.

Literature cited by the submitters: PubMed 20818383; PubMed 20858599.